The following is an entry in ClinVar:

ClinVar aggregate classification (germline): Uncertain significance (1 of 4 stars; one submission).

Submission:

Labcorp Genetics (formerly Invitae), Labcorp
Classification: Uncertain significance. Last evaluated: 2022-11-01. Review status: criteria provided, single submitter. Criteria: Invitae Variant Classification Sherloc (09022015). Collection method: clinical testing. Allele origin: germline.
Comment: This variant is not present in population databases (gnomAD no frequency). This variant has not been reported in the literature in individuals affected with SLC12A2-related conditions. Advanced modeling of protein sequence and biophysical properties (such as structural, functional, and spatial information, amino acid conservation, physicochemical variation, residue mobility, and thermodynamic stability) performed at Invitae indicates that this missense variant is not expected to disrupt SLC12A2 protein function. In summary, the available evidence is currently insufficient to determine the role of this variant in disease. Therefore, it has been classified as a Variant of Uncertain Significance. This sequence change replaces isoleucine, which is neutral and non-polar, with valine, which is neutral and non-polar, at codon 904 of the SLC12A2 protein (p.Ile904Val).

NM_001046.3(SLC12A2):c.2710A>G (p.Ile904Val)

Gene: SLC12A2 (solute carrier family 12 member 2; plus strand). Cytogenetic location: 5q23.3.
Variant type: single nucleotide variant.
Coding change: c.2710A>G on transcript NM_001046.3 (MANE Select); coding-DNA position 2710, A replaced by G.
Protein change: p.Ile904Val; replaces isoleucine 904 with valine.
Molecular consequence: missense variant. On other transcripts: non-coding transcript variant (1).
Genome position (GRCh38, 1-based): chr5:128,167,854, A>G. VCF-style: chr5-128167854-A-G. GRCh37 (hg19) VCF-style: chr5-127503546-A-G.
Other names: c.2710A>G, p.Ile904Val (NM_001256461.2); short protein forms I904V.
Identifiers: ClinVar variation 2996928 (VCV002996928.3), dbSNP rs2479456975, ClinGen allele CA360752388.
Genomic context (GRCh38, chr5:128,167,854, plus strand): 5'-CTTGTCCTTGGATTTAAGAAAGATTGGTTGCAAGCAGATATGAGGGATGTGGATATGTAT[A>G]TAAACTTATTTCAGTAAGTATCTTTTTAATTCAATAATTTAGTTCATTTAGAAAATGTTA-3'
Protein context (NP_001037.1, residues 894-914): QADMRDVDMY[Ile904Val]NLFHDAFDIQ